The following is an entry in ClinVar:

NM_005902.4(SMAD3):c.988del (p.Thr330fs)

Gene: SMAD3 (SMAD family member 3; plus strand). Cytogenetic location: 15q22.33.
Variant type: Deletion.
Coding change: c.988del on transcript NM_005902.4 (MANE Select); coding-DNA position 988, one base deleted (A; older notation c.988delA).
Protein change: p.Thr330fs; shifts the reading frame from threonine 330.
Molecular consequence: frameshift variant.
Genome position (GRCh38, 1-based): chr15:67,184,843, A deleted. VCF-style (leftmost placement, unchanged base first): chr15-67184842-CA-C. GRCh37 (hg19) VCF-style: chr15-67477180-CA-C.
Other names: c.673del, p.Thr225fs (NM_001145102.2); c.856del, p.Thr286fs (NM_001145103.2); c.403del, p.Thr135fs (NM_001145104.2); short protein forms T135fs, T225fs, T330fs, T286fs.
Identifiers: ClinVar variation 1429119 (VCV001429119.6), dbSNP rs2140320169, ClinGen allele CA2573151103.

ClinVar aggregate classification (germline): Pathogenic (1 of 4 stars; one submission).

Conditions:
Familial thoracic aortic aneurysm and aortic dissection (TAAD). Also called: Thoracic aortic aneurysms and dissections. Identifiers: Orphanet 91387, MedGen C4707243, MONDO:0019625.

Submission:

Labcorp Genetics (formerly Invitae), Labcorp
Classification: Pathogenic for Familial thoracic aortic aneurysm and aortic dissection. Last evaluated: 2026-01-19. Review status: criteria provided, single submitter. Criteria: Invitae Variant Classification Sherloc (09022015). Collection method: clinical testing. Allele origin: germline.
Comment: This sequence change creates a premature translational stop signal (p.Thr330Profs*11) in the SMAD3 gene. It is expected to result in an absent or disrupted protein product. Loss-of-function variants in SMAD3 are known to be pathogenic (PMID: 21778426, 24804794). This variant is not present in population databases (gnomAD no frequency). This variant has not been reported in the literature in individuals affected with SMAD3-related conditions. ClinVar contains an entry for this variant (Variation ID: 1429119). For these reasons, this variant has been classified as Pathogenic.

Literature cited by the submitters: PubMed 21778426; PubMed 24804794.